The following is an entry in ClinVar:

NM_014159.7(SETD2):c.1196A>T (p.Glu399Val)

Gene: SETD2 (SET domain containing 2, histone lysine methyltransferase; minus strand). Cytogenetic location: 3p21.31.
Variant type: single nucleotide variant.
Coding change: c.1196A>T on transcript NM_014159.7 (MANE Select); coding-DNA position 1196, A replaced by T.
Protein change: p.Glu399Val; replaces glutamic acid 399 with valine.
Molecular consequence: missense variant. On other transcripts: non-coding transcript variant (1).
Genome position (GRCh38, 1-based): chr3:47,123,440, T>A on the plus strand (A>T on the coding strand, the complement: SETD2 is on the minus strand). VCF-style: chr3-47123440-T-A. GRCh37 (hg19) VCF-style: chr3-47164930-T-A.
Other names: c.1064A>T, p.Glu355Val (NM_001349370.3); short protein forms E355V, E399V.
Identifiers: ClinVar variation 4690130 (VCV004690130.1).
Genomic context (GRCh38, chr3:47,123,440, plus strand): 5'-TAGGATAAATTAGTTCTAGAGCCTCTCTCAGACCTAGAGTGAGATCTGCTCCGCCGTCGC[T>A]CTCTTTCTGATCTACATCGGGAAGATACATACCGAGTATCTCTTTCAAGTTTTGAATAGC-3'
Protein context (NP_054878.5, residues 389-409): YVSSRCRSER[Glu399Val]RRRSRSHSRS

ClinVar aggregate classification (germline): Uncertain significance (1 of 4 stars; one submission).

Submission:

GeneDx
Classification: Uncertain significance. Last evaluated: 2025-07-30. Review status: criteria provided, single submitter. Criteria: GeneDx Variant Classification Process June 2021. Collection method: clinical testing. Allele origin: germline. Affected: yes.
Comment: Not observed at significant frequency in large population cohorts (gnomAD); In silico analysis supports that this missense variant has a deleterious effect on protein structure/function; Has not been previously published as pathogenic or benign to our knowledge